The following is an entry in ClinVar:

NM_016203.4(PRKAG2):c.1030C>T (p.His344Tyr)

Gene: PRKAG2 (protein kinase AMP-activated non-catalytic subunit gamma 2; minus strand). Cytogenetic location: 7q36.1.
Variant type: single nucleotide variant.
Coding change: c.1030C>T on transcript NM_016203.4 (MANE Select); coding-DNA position 1030, C replaced by T.
Protein change: p.His344Tyr; replaces histidine 344 with tyrosine.
Molecular consequence: missense variant.
Genome position (GRCh38, 1-based): chr7:151,572,685, G>A on the plus strand (C>T on the coding strand, the complement: PRKAG2 is on the minus strand). VCF-style: chr7-151572685-G-A. GRCh37 (hg19) VCF-style: chr7-151269771-G-A.
Other names: c.898C>T, p.His300Tyr (NM_001040633.2); c.655C>T, p.His219Tyr (NM_001304527.2); c.307C>T, p.His103Tyr (NM_001304531.2, NM_024429.2); c.658C>T, p.His220Tyr (NM_001363698.2); short protein forms H344Y, H219Y, H300Y, H220Y, H103Y.
Identifiers: ClinVar variation 177903 (VCV000177903.6), dbSNP rs727504392, ClinGen allele CA013518.

ClinVar aggregate classification (germline): Conflicting classifications of pathogenicity. Review status: criteria provided, conflicting classifications (1 of 4 stars). 2 submissions from 2 submitters: Likely pathogenic (1); Uncertain significance (1). Last evaluated 2013-11-03.

Conditions:
Hypertrophic cardiomyopathy. Also called: HYPERTROPHIC MYOCARDIOPATHY. Identifiers: Orphanet 217569, MedGen C0007194, MeSH D002312, MONDO:0005045, HP:0001639.

Submissions (2):

Stanford Center for Inherited Cardiovascular Disease, Stanford University
Classification: Uncertain significance. Last evaluated: 2013-11-03. Review status: criteria provided, single submitter. Criteria: ACMG Guidelines, 2015. Collection method: provider interpretation. Allele origin: germline.

Laboratory for Molecular Medicine, Mass General Brigham Personalized Medicine
Classification: Likely pathogenic for Hypertrophic cardiomyopathy. Last evaluated: 2013-02-08. Review status: criteria provided, single submitter. Criteria: LMM Criteria. Collection method: clinical testing. Allele origin: germline. Observed: 1 variant allele.
Comment: proposed classification - variant undergoing re-assessment, contact laboratory